The following is an entry in ClinVar:

NM_001164508.2(NEB):c.4221_4239del (p.Gln1407fs)

Gene: NEB (nebulin; minus strand). Cytogenetic location: 2q23.3.
Variant type: Deletion.
Coding change: c.4221_4239del on transcript NM_001164508.2 (MANE Select); coding-DNA positions 4221 to 4239, 19 bases deleted (GCCATTGCATCATTACACA).
Protein change: p.Gln1407fs; shifts the reading frame from glutamine 1407.
Molecular consequence: frameshift variant.
Genome position (GRCh38, 1-based): chr2:151,672,429-151,672,447, TGTGTAATGATGCAATGGC deleted on the plus strand (GCCATTGCATCATTACACA on the coding strand, the reverse complement: NEB is on the minus strand); deleting any 19 consecutive bases within chr2:151,672,429-151,672,450 gives the same sequence; the c. name uses the placement nearest the transcript's 3' end. VCF-style (leftmost placement, unchanged base first): chr2-151672428-ATGTGTAATGATGCAATGGC-A. GRCh37 (hg19) VCF-style: chr2-152528942-ATGTGTAATGATGCAATGGC-A.
Other names: c.4221_4239del, p.Gln1407fs (NM_001164507.2, NM_001271208.2, NM_004543.5); short protein forms Q1407fs.
Identifiers: ClinVar variation 5012476 (VCV005012476.1).
Genomic context (GRCh38, chr2:151,672,428, plus strand): 5'-CATCACTCTGAATTTGATTGACATTCCTCGTATGCTCAAGACTCATGGCGTCAGGTAGGT[ATGTGTAATGATGCAATGGC>A]TGTTTGTAGTTGACATTGGTAGCGACATCCTGGGCCATCTTTGCAGCTGTGATGCTAACC-3'

ClinVar aggregate classification (germline): Pathogenic (1 of 4 stars; one submission).

Conditions:
Nemaline myopathy 2 (NEM2). Also called: Nemaline myopathy 2, autosomal recessive. Identifiers: MedGen C1850569, MONDO:0009725, OMIM 256030.

Submission:

Myriad Genetics, Inc.
Classification: Pathogenic for Nemaline myopathy 2. Last evaluated: 2023-11-13. Review status: criteria provided, single submitter. Criteria: Myriad Autosomal Dominant, Autosomal Recessive and X-Linked Classification Criteria (2023). Collection method: clinical testing. Allele origin: unknown.
Comment: NM_001271208.1(NEB):c.4221_4239del19(Q1407Hfs*7) is expected to be pathogenic in the context of NEB-related nemaline myopathy. This variant is predicted to lead to an abnormal or absent protein product due to the creation of a premature termination codon in NEB, a gene where loss-of-function variants are known to be pathogenic. Please note: this variant was assessed in the context of healthy population screening.